The following is an entry in ClinVar:

NM_032043.3(BRIP1):c.2689A>G (p.Lys897Glu)

Gene: BRIP1 (BRCA1 interacting DNA helicase 1; minus strand). Cytogenetic location: 17q23.2.
Variant type: single nucleotide variant.
Coding change: c.2689A>G on transcript NM_032043.3 (MANE Select); coding-DNA position 2689, A replaced by G.
Protein change: p.Lys897Glu; replaces lysine 897 with glutamic acid.
Molecular consequence: missense variant.
Genome position (GRCh38, 1-based): chr17:61,686,052, T>C on the plus strand (A>G on the coding strand, the complement: BRIP1 is on the minus strand). VCF-style: chr17-61686052-T-C. GRCh37 (hg19) VCF-style: chr17-59763413-T-C.
Other names: short protein forms K897E.
Identifiers: ClinVar variation 141305 (VCV000141305.24), dbSNP rs587781644, ClinGen allele CA165061.

ClinVar aggregate classification (germline): Conflicting classifications of pathogenicity. Review status: criteria provided, conflicting classifications (1 of 4 stars). 5 submissions from 5 submitters: Uncertain significance (2); Likely benign (3). Last evaluated 2025-10-16.

Conditions:
Hereditary cancer-predisposing syndrome. Also called: Neoplastic Syndromes, Hereditary; Hereditary Cancer Syndrome; Tumor predisposition; Hereditary neoplastic syndrome. Identifiers: Orphanet 140162, MedGen C0027672, MeSH D009386, MONDO:0015356.
Familial cancer of breast. Also called: Hereditary breast cancer; hereditary breast carcinoma; BREAST CANCER, FAMILIAL. Identifiers: Orphanet 227535, MedGen C0346153, MONDO:0016419, OMIM 114480. Disease mechanism: loss of function.
Fanconi anemia complementation group J. Also called: BRIP1-Related Fanconi Anemia. Identifiers: Orphanet 84, MedGen C1836860, MONDO:0012187, OMIM 609054.

Allele frequency attached by ClinVar (database versions not stated): gnomAD exomes below 0.00001 and 0.00001; TOPMed below 0.00001; ExAC 0.00001.
gnomAD v4.1: 5 of 1,614,010 alleles (0.00031%); highest among the groups gnomAD compares: East Asian, 0.0022%; no homozygotes.

Submissions (5):

Labcorp Genetics (formerly Invitae), Labcorp
Classification: Likely benign for Familial cancer of breast; Fanconi anemia complementation group J. Last evaluated: 2025-10-16. Review status: criteria provided, single submitter. Criteria: Invitae Variant Classification Sherloc (09022015). Collection method: clinical testing. Allele origin: germline.

Color Diagnostics, LLC DBA Color Health
Classification: Uncertain significance for Hereditary cancer-predisposing syndrome. Last evaluated: 2025-04-15. Review status: criteria provided, single submitter. Criteria: ACMG Guidelines, 2015. Collection method: clinical testing. Allele origin: germline.
Comment: This missense variant replaces lysine with glutamic acid at codon 897 of the BRIP1 protein. Computational prediction suggests that this variant may not impact protein structure and function. To our knowledge, functional studies have not been reported for this variant. This variant has not been reported in individuals affected with BRIP1-related disorders in the literature. This variant has been identified in 3/251334 chromosomes in the general population by the Genome Aggregation Database (gnomAD). The available evidence is insufficient to determine the role of this variant in disease conclusively. Therefore, this variant is classified as a Variant of Uncertain Significance.

Ambry Genetics
Classification: Likely benign for Hereditary cancer-predisposing syndrome. Last evaluated: 2022-01-04. Review status: criteria provided, single submitter. Criteria: Ambry Variant Classification Scheme 2023. Collection method: clinical testing. Allele origin: germline.

Blueprint Genetics
Classification: Likely benign. Last evaluated: 2021-09-15. Review status: criteria provided, single submitter. Criteria: ACMG Guidelines, 2015. Collection method: clinical testing. Allele origin: germline.

GeneDx
Classification: Uncertain significance. Last evaluated: 2016-07-27. Review status: criteria provided, single submitter. Criteria: GeneDx Variant Classification (06012015). Collection method: clinical testing. Allele origin: germline. Affected: yes.
Comment: This variant is denoted BRIP1 c.2689A>G at the cDNA level, p.Lys897Glu (K897E) at the protein level, and results in the change of a Lysine to a Glutamic Acid (AAG>GAG). This variant has not, to our knowledge, been published in the literature as pathogenic or benign. BRIP1 Lys897Glu was not observed in approximately 6,500 individuals of European and African American ancestry in the NHLBI Exome Sequencing Project, suggesting it is not a common benign variant in these populations. Since Lysine and Glutamic Acid differ in polarity, charge, size or other properties, this is considered a non-conservative amino acid substitution. BRIP1 Lys897Glu occurs at a position that is not conserved and is not located in a known functional domain (Cantor 2011). In silico analyses predict that this variant is unlikely to alter protein structure or function. Based on currently available evidence, it is unclear whether BRIP1 Lys897Glu is a pathogenic or benign variant. We consider it to be a variant of uncertain significance.